The following is an entry in ClinVar:

NM_006939.4(SOS2):c.3497T>C (p.Met1166Thr)

Gene: SOS2 (SOS Ras/Rho guanine nucleotide exchange factor 2; minus strand). Cytogenetic location: 14q21.3.
Variant type: single nucleotide variant.
Coding change: c.3497T>C on transcript NM_006939.4 (MANE Select); coding-DNA position 3497, T replaced by C.
Protein change: p.Met1166Thr; replaces methionine 1166 with threonine.
Molecular consequence: missense variant.
Genome position (GRCh38, 1-based): chr14:50,118,846, A>G on the plus strand (T>C on the coding strand, the complement: SOS2 is on the minus strand). VCF-style: chr14-50118846-A-G. GRCh37 (hg19) VCF-style: chr14-50585564-A-G.
Other names: c.3497T>C (NM_006939.2); short protein forms M1166T.
Identifiers: ClinVar variation 1488342 (VCV001488342.9), dbSNP rs764483791, ClinGen allele CA7176767.
Genomic context (GRCh38, chr14:50,118,846, plus strand): 5'-TTTACCTTTGGAGGAGGAGGCTGTCTCGGTGGAATAGCAGGAGGATCATCATCAGATTTC[A>G]TATTTCCCTCAAAAAAAAAAGTAATTAAATTATACCTCTATTCTGAAAAATTAAAAAAAA-3'
Protein context (NP_008870.2, residues 1156-1176): DHDASNSKGN[Met1166Thr]KSDDDPPAIP

ClinVar aggregate classification (germline): Uncertain significance. Review status: criteria provided, multiple submitters, no conflicts (2 of 4 stars). 4 submissions from 4 submitters: Uncertain significance (4). Last evaluated 2026-03-01.

Conditions:
Noonan syndrome 9 (NS9). Identifiers: Orphanet 648, MedGen C4225282, MONDO:0014691, OMIM 616559.
Cardiovascular phenotype. Identifiers: MedGen CN230736.

Allele frequency attached by ClinVar (database versions not stated): gnomAD exomes 0.00002; ExAC 0.00003; gnomAD 0.00003.

Submissions (4):

Ambry Genetics
Classification: Uncertain significance for Cardiovascular phenotype. Last evaluated: 2026-03-01. Review status: criteria provided, single submitter. Criteria: Ambry Variant Classification Scheme 2023. Collection method: clinical testing. Allele origin: germline.
Comment: The p.M1166T variant (also known as c.3497T>C), located in coding exon 23 of the SOS2 gene, results from a T to C substitution at nucleotide position 3497. The methionine at codon 1166 is replaced by threonine, an amino acid with similar properties. This amino acid position is conserved. In addition, this alteration is predicted to be tolerated by in silico analysis. Based on the available evidence, the clinical significance of this variant remains unclear.

Women's Health and Genetics/Laboratory Corporation of America, LabCorp
Classification: Uncertain significance. Last evaluated: 2022-09-17. Review status: criteria provided, single submitter. Criteria: LabCorp Variant Classification Summary - May 2015. Collection method: clinical testing. Allele origin: germline.

Labcorp Genetics (formerly Invitae), Labcorp
Classification: Uncertain significance for Noonan syndrome 9. Last evaluated: 2021-11-11. Review status: criteria provided, single submitter. Criteria: Invitae Variant Classification Sherloc (09022015). Collection method: clinical testing. Allele origin: germline.
Comment: In summary, the available evidence is currently insufficient to determine the role of this variant in disease. Therefore, it has been classified as a Variant of Uncertain Significance. Advanced modeling of protein sequence and biophysical properties (such as structural, functional, and spatial information, amino acid conservation, physicochemical variation, residue mobility, and thermodynamic stability) performed at Invitae indicates that this missense variant is not expected to disrupt SOS2 protein function. This variant has not been reported in the literature in individuals affected with SOS2-related conditions. This variant is present in population databases (rs764483791, gnomAD 0.02%). This sequence change replaces methionine, which is neutral and non-polar, with threonine, which is neutral and polar, at codon 1166 of the SOS2 protein (p.Met1166Thr).

Genome-Nilou Lab
Classification: Uncertain significance for Noonan syndrome 9. Review status: criteria provided, single submitter. Criteria: ACMG Guidelines, 2015. Collection method: clinical testing. Allele origin: germline.